The following is an entry in ClinVar:

NM_006214.4(PHYH):c.1A>T (p.Met1Leu)

Genes: PHYH (phytanoyl-CoA 2-hydroxylase; minus strand), LOC130003374 (ATAC-STARR-seq lymphoblastoid silent region 2152; plus strand). Cytogenetic location: 10p13.
Variant type: single nucleotide variant.
Coding change: c.1A>T on transcript NM_006214.4 (MANE Select); coding-DNA position 1, A replaced by T.
Protein change: p.Met1Leu; changes the start codon (methionine 1).
Molecular consequence: missense variant, initiator codon variant.
Genome position (GRCh38, 1-based): chr10:13,300,042, T>A on the plus strand (A>T on the coding strand, the complement: PHYH is on the minus strand). VCF-style: chr10-13300042-T-A. GRCh37 (hg19) VCF-style: chr10-13342042-T-A.
Other names: c.1A>T, p.Met1Leu (NM_001323082.2, NM_001323083.2); short protein forms M1L.
Identifiers: ClinVar variation 1474247 (VCV001474247.3), dbSNP rs901627204, ClinGen allele CA376038552.

ClinVar aggregate classification (germline): Uncertain significance (1 of 4 stars; one submission).

Submission:

Labcorp Genetics (formerly Invitae), Labcorp
Classification: Uncertain significance. Last evaluated: 2021-01-19. Review status: criteria provided, single submitter. Criteria: Invitae Variant Classification Sherloc (09022015). Collection method: clinical testing. Allele origin: germline.
Comment: This sequence change affects the initiator methionine of the PHYH mRNA. The next in-frame methionine is located at codon 101. The frequency data for this variant in the population databases is considered unreliable, as metrics indicate insufficient coverage at this position in the ExAC database. This variant has not been reported in the literature in individuals with PHYH-related conditions. This variant disrupts the initiator methionine in PHYH. If translation initiates from the next in-frame methionine, the PHYH protein would no longer include the region containing the p.Pro29Ser amino acid residue. Other variant(s) that disrupt this residue have been observed in individuals with PHYH-related conditions (PMID: 14974078), which suggests that this residue is clinically significant, and that variants that disrupt this residue are likely to be disease-causing. In summary, the available evidence is currently insufficient to determine the role of this variant in disease. Therefore, it has been classified as a Variant of Uncertain Significance.

Literature cited by the submitters: PubMed 14974078.